The following is an entry in ClinVar:

NM_024675.4(PALB2):c.1430C>A (p.Thr477Asn)

Gene: PALB2 (partner and localizer of BRCA2; minus strand). Cytogenetic location: 16p12.2.
Variant type: single nucleotide variant.
Coding change: c.1430C>A on transcript NM_024675.4 (MANE Select); coding-DNA position 1430, C replaced by A.
Protein change: p.Thr477Asn; replaces threonine 477 with asparagine.
Molecular consequence: missense variant.
Genome position (GRCh38, 1-based): chr16:23,635,116, G>T on the plus strand (C>A on the coding strand, the complement: PALB2 is on the minus strand). VCF-style: chr16-23635116-G-T. GRCh37 (hg19) VCF-style: chr16-23646437-G-T.
Other names: short protein forms T477N.
Identifiers: ClinVar variation 627796 (VCV000627796.14), dbSNP rs1567221020, ClinGen allele CA395131289.

ClinVar aggregate classification (germline): Conflicting classifications of pathogenicity. Review status: criteria provided, conflicting classifications (1 of 4 stars). 3 submissions from 3 submitters: Uncertain significance (2); Likely benign (1). Last evaluated 2023-12-05.

Conditions:
Hereditary cancer-predisposing syndrome. Also called: Tumor predisposition; Hereditary Cancer Syndrome; Neoplastic Syndromes, Hereditary; Hereditary neoplastic syndrome. Identifiers: Orphanet 140162, MedGen C0027672, MeSH D009386, MONDO:0015356.
Familial cancer of breast. Also called: BREAST CANCER, FAMILIAL; Hereditary breast cancer; hereditary breast carcinoma. Identifiers: Orphanet 227535, MedGen C0346153, MONDO:0016419, OMIM 114480. Disease mechanism: loss of function.

Submissions (3):

Color Diagnostics, LLC DBA Color Health
Classification: Uncertain significance for Hereditary cancer-predisposing syndrome. Last evaluated: 2023-12-05. Review status: criteria provided, single submitter. Criteria: ACMG Guidelines, 2015. Collection method: clinical testing. Allele origin: germline.
Comment: This missense variant replaces threonine with asparagine at codon 477 of the PALB2 protein. Computational prediction suggests that this variant may not impact protein structure and function (internally defined REVEL score threshold <= 0.5, PMID: 27666373). To our knowledge, functional studies have not been reported for this variant. This variant has not been reported in individuals affected with PALB2-related disorders in the literature. This variant has not been identified in the general population by the Genome Aggregation Database (gnomAD). The available evidence is insufficient to determine the role of this variant in disease conclusively. Therefore, this variant is classified as a Variant of Uncertain Significance.

Ambry Genetics
Classification: Likely benign for Hereditary cancer-predisposing syndrome. Last evaluated: 2022-12-05. Review status: criteria provided, single submitter. Criteria: Ambry Variant Classification Scheme 2023. Collection method: clinical testing. Allele origin: germline.

Labcorp Genetics (formerly Invitae), Labcorp
Classification: Uncertain significance for Familial cancer of breast. Last evaluated: 2018-10-04. Review status: criteria provided, single submitter. Criteria: Invitae Variant Classification Sherloc (09022015). Collection method: clinical testing. Allele origin: germline.
Comment: In summary, the available evidence is currently insufficient to determine the role of this variant in disease. Therefore, it has been classified as a Variant of Uncertain Significance. Algorithms developed to predict the effect of missense changes on protein structure and function output the following: SIFT: "Tolerated"; PolyPhen-2: "Benign"; Align-GVGD: "Class C0". The asparagine amino acid residue is found in multiple mammalian species, suggesting that this missense change does not adversely affect protein function. These predictions have not been confirmed by published functional studies and their clinical significance is uncertain. This variant has not been reported in the literature in individuals with PALB2-related disease. This variant is not present in population databases (ExAC no frequency). This sequence change replaces threonine with asparagine at codon 477 of the PALB2 protein (p.Thr477Asn). The threonine residue is weakly conserved and there is a small physicochemical difference between threonine and asparagine.